The following is an entry in ClinVar:

NM_181882.3(PRX):c.285C>T (p.Cys95=)

Gene: PRX (periaxin; minus strand). Cytogenetic location: 19q13.2.
Variant type: single nucleotide variant.
Coding change: c.285C>T on transcript NM_181882.3 (MANE Select); coding-DNA position 285, C replaced by T.
Protein change: p.Cys95=; no amino-acid change (cysteine 95 retained).
Molecular consequence: synonymous variant.
Genome position (GRCh38, 1-based): chr19:40,398,716, G>A on the plus strand (C>T on the coding strand, the complement: PRX is on the minus strand). VCF-style: chr19-40398716-G-A. GRCh37 (hg19) VCF-style: chr19-40904623-G-A.
Other names: c.285C>T, p.Cys95= (NM_020956.2).
Identifiers: ClinVar variation 507797 (VCV000507797.16), dbSNP rs531527827, ClinGen allele CA9444517.

ClinVar aggregate classification (germline): Benign/Likely benign. Review status: criteria provided, multiple submitters, no conflicts (2 of 4 stars). 4 submissions from 4 submitters: Benign (1); Likely benign (3). Last evaluated 2025-08-24.

Conditions:
PRX-related disorder. Also called: PRX-related condition; PRX-Related Disorders.
Charcot-Marie-Tooth disease type 4. Also called: Charcot-Marie-Tooth disease, type IV; Charcot-Marie-Tooth, Type 4. Identifiers: Orphanet 64749, MedGen C4082197, MONDO:0018995.
Inborn genetic diseases. Identifiers: MedGen C0950123, MeSH D030342.

Allele frequency attached by ClinVar (database versions not stated): gnomAD exomes 0.00002 and 0.00008; ExAC 0.00010; 1000 Genomes Project 0.00020; gnomAD 0.00029 and 0.00032; TOPMed 0.00030; 1000 Genomes Project 30x 0.00031.
gnomAD v4.1: 71 of 1,614,092 alleles (0.0044%); highest among the groups gnomAD compares: African/African-American, 0.075%; 1 homozygote.

Submissions (4):

Labcorp Genetics (formerly Invitae), Labcorp
Classification: Benign for Charcot-Marie-Tooth disease type 4. Last evaluated: 2025-08-24. Review status: criteria provided, single submitter. Criteria: Invitae Variant Classification Sherloc (09022015). Collection method: clinical testing. Allele origin: germline.

PreventionGenetics, part of Exact Sciences
Classification: Likely benign for PRX-related condition. Last evaluated: 2025-05-28. Review status: criteria provided, single submitter. Criteria: ACMG Guidelines, 2015. Collection method: clinical testing. Allele origin: germline.
Comment: This variant is classified as likely benign based on ACMG/AMP sequence variant interpretation guidelines (Richards et al. 2015 PMID: 25741868, with internal and published modifications).

GeneDx
Classification: Likely benign. Last evaluated: 2021-02-17. Review status: criteria provided, single submitter. Criteria: GeneDx Variant Classification Process June 2021. Collection method: clinical testing. Allele origin: germline. Affected: yes.

Ambry Genetics
Classification: Likely benign for Inborn genetic diseases. Last evaluated: 2019-07-11. Review status: criteria provided, single submitter. Criteria: Ambry Variant Classification Scheme 2023. Collection method: clinical testing. Allele origin: germline.